The following is an entry in ClinVar:

NM_002117.6(HLA-C):c.540G>T (p.Leu180=)

Gene: HLA-C (major histocompatibility complex, class I, C; minus strand). Cytogenetic location: 6p21.33.
Variant type: single nucleotide variant.
Coding change: c.540G>T on transcript NM_002117.6 (MANE Select); coding-DNA position 540, G replaced by T.
Protein change: p.Leu180=; no amino-acid change (leucine 180 retained).
Molecular consequence: synonymous variant.
Genome position (GRCh38, 1-based): chr6:31,271,152, C>A on the plus strand (G>T on the coding strand, the complement: HLA-C is on the minus strand). VCF-style: chr6-31271152-C-A. GRCh37 (hg19) VCF-style: chr6-31238929-C-A.
Identifiers: ClinVar variation 3771436 (VCV003771436.13).

ClinVar aggregate classification (germline): Likely benign (1 of 4 stars; one submission).

Submission:

CeGaT Center for Human Genetics Tuebingen
Classification: Likely benign. Last evaluated: 2025-02-01. Review status: criteria provided, single submitter. Criteria: CeGaT Center For Human Genetics Tuebingen Variant Classification Criteria Version 2. Collection method: clinical testing. Allele origin: germline. Affected: yes. Observed: 1 variant allele.
Comment: HLA-C: BP4, BP7